The following is an entry in ClinVar:

ClinVar aggregate classification (germline): Uncertain significance (1 of 4 stars; one submission).

Conditions:
Neurofibromatosis, type 1 (NF1). Also called: Peripheral type neurofibromatosis; Neurofibromatosis, type I; VON RECKLINGHAUSEN DISEASE; NEUROFIBROMATOSIS, TYPE I, SOMATIC. Identifiers: Orphanet 636, MedGen C0027831, MONDO:0018975, OMIM 162200. Disease mechanism: loss of function.

Submission:

Labcorp Genetics (formerly Invitae), Labcorp
Classification: Uncertain significance for Neurofibromatosis, type 1. Last evaluated: 2019-04-04. Review status: criteria provided, single submitter. Criteria: Invitae Variant Classification Sherloc (09022015). Collection method: clinical testing. Allele origin: germline.
Comment: This variant has not been reported in the literature in individuals with NF1-related conditions. This variant is not present in population databases (ExAC no frequency). This sequence change replaces threonine with lysine at codon 1536 of the NF1 protein (p.Thr1536Lys). The threonine residue is moderately conserved and there is a moderate physicochemical difference between threonine and lysine. Algorithms developed to predict the effect of missense changes on protein structure and function are either unavailable or do not agree on the potential impact of this missense change (SIFT: "Tolerated"; PolyPhen-2: "Probably Damaging"; Align-GVGD: "Class C0"). In summary, the available evidence is currently insufficient to determine the role of this variant in disease. Therefore, it has been classified as a Variant of Uncertain Significance.

NM_001042492.3(NF1):c.4670C>A (p.Thr1557Lys)

Gene: NF1 (neurofibromin 1; plus strand). Cytogenetic location: 17q11.2.
Variant type: single nucleotide variant.
Coding change: c.4670C>A on transcript NM_001042492.3 (MANE Select); coding-DNA position 4670, C replaced by A.
Protein change: p.Thr1557Lys; replaces threonine 1557 with lysine.
Molecular consequence: missense variant.
Genome position (GRCh38, 1-based): chr17:31,261,803, C>A. VCF-style: chr17-31261803-C-A. GRCh37 (hg19) VCF-style: chr17-29588821-C-A.
Other names: c.4607C>A, p.Thr1536Lys (NM_000267.4); short protein forms T1536K, T1557K.
Identifiers: ClinVar variation 945493 (VCV000945493.6), dbSNP rs876660065, ClinGen allele CA399000453.
Genomic context (GRCh38, chr17:31,261,803, plus strand): 5'-ATAAGATGGCAACACTTCTTGCATACCTGGGTCCTCCAGAGCACAAACCTGTGGCAGATA[C>A]ACACTGGTCCAGCCTTAACCTTACCAGTTCAAAGTTTGAGGAATTTATGACTAGGTAAAG-3'
Protein context (NP_001035957.1, residues 1547-1567): GPPEHKPVAD[Thr1557Lys]HWSSLNLTSS